The following is an entry in ClinVar:

ClinVar aggregate classification (germline): Pathogenic. Review status: criteria provided, multiple submitters, no conflicts (2 of 4 stars). 19 submissions from 19 submitters: Pathogenic (13). 6 of the submissions do not count toward it. Last evaluated 2026-09-01.

Conditions:
XPC-related disorder. Also called: XPC-related condition.
Xeroderma pigmentosum (XP). Identifiers: Orphanet 910, MedGen C0043346, MONDO:0019600.
Xeroderma pigmentosum, group C (XPC). Also called: XPC-Related Xeroderma Pigmentosum; Xeroderma pigmentosum, complementation group C; XERODERMA PIGMENTOSUM III; XP, GROUP C. Identifiers: Orphanet 910, MedGen C2752147, MONDO:0010211, OMIM 278720.

Submissions (19):

CeGaT Center for Human Genetics Tuebingen
Classification: Pathogenic. Last evaluated: 2026-09-01. Review status: criteria provided, single submitter. Criteria: CeGaT Center For Human Genetics Tuebingen Variant Classification Criteria Version 2. Collection method: clinical testing. Allele origin: germline. Affected: yes. Observed: 3 variant alleles.
Comment: XPC: PVS1, PM2, PM3

Labcorp Genetics (formerly Invitae), Labcorp
Classification: Pathogenic. Last evaluated: 2026-01-09. Review status: criteria provided, single submitter. Criteria: Invitae Variant Classification Sherloc (09022015). Collection method: clinical testing. Allele origin: germline.
Comment: This sequence change creates a premature translational stop signal (p.Val548Alafs*25) in the XPC gene. It is expected to result in an absent or disrupted protein product. Loss-of-function variants in XPC are known to be pathogenic (PMID: 23173980, 25256075). This variant is present in population databases (rs754532049, gnomAD 0.009%). This premature translational stop signal has been observed in individual(s) with xeroderma pigmentosum (PMID: 20054342, 23143338, 27413738). It is commonly reported in individuals of North African ancestry (PMID: 20054342, 23143338, 27413738). ClinVar contains an entry for this variant (Variation ID: 262). For these reasons, this variant has been classified as Pathogenic.

Revvity Omics, Revvity
Classification: Pathogenic for Xeroderma pigmentosum, group C. Last evaluated: 2024-05-23. Review status: criteria provided, single submitter. Criteria: ACMG Guidelines, 2015. Collection method: clinical testing. Allele origin: germline.

Baylor Genetics
Classification: Pathogenic for Xeroderma pigmentosum, group C. Last evaluated: 2024-03-10. Review status: criteria provided, single submitter. Criteria: ACMG Guidelines, 2015. Collection method: clinical testing. Allele origin: unknown.

Institute for Genomic Medicine (IGM) Clinical Laboratory, Nationwide Children's Hospital
Classification: Pathogenic for Xeroderma pigmentosum, group C. Last evaluated: 2022-04-20. Review status: criteria provided, single submitter. Criteria: ACMG Guidelines, 2015. Collection method: clinical testing. Allele origin: germline.
Comment: This variant is predicted to result in loss of function through nonsense-mediated decay of the encoded transcript or premature truncation of the encoded protein in a gene in which loss of function is a known mechanism of disease (ACMG/AMP: PVS1; PMID:16081512). Well-established functional studies have demonstrated this variant to have a damaging effect on protein function or splicing (ACMG/AMP: PS3; PMIDs:8298653, 16081512, 23173980). This variant has been reported at an elevated frequency in affected individuals/in multiple affected individuals in the literature (ACMG/AMP: PS4; PMIDs:19478817, 20054342). This variant is absent from or present at an exceedingly low frequency in gnomAD, a large-scale control population database (ACMG/AMP: PM2). This variant has been observed in trans with a pathogenic variant (ACMG/AMP: PM3; PMID:16081512).

3billion
Classification: Pathogenic for Xeroderma pigmentosum, group C. Last evaluated: 2022-01-03. Review status: criteria provided, single submitter. Criteria: ACMG Guidelines, 2015. Collection method: clinical testing. Allele origin: germline. Affected: yes. Observed: 1 homozygote.
Comment: Frameshift: predicted to result in a loss or disruption of normal protein function through nonsense-mediated decay (NMD) or protein truncation. Multiple pathogenic variants are reported downstream of the variant (PVS1_VS). The variant has been reported at least twice as pathogenic/likely pathogenic with clinical assertions and evidence for the classification (ClinVar ID: VCV000000262, PMID:8298653). It is observed at an extremely low frequency in the gnomAD v2.1.1 dataset (total allele frequency: 0.000020, PM2_M). Therefore, this variant is classified as pathogenic according to the recommendation of ACMG/AMP guideline.

Blueprint Genetics
Classification: Pathogenic for XPC-related disorders. Last evaluated: 2021-11-29. Review status: criteria provided, single submitter. Criteria: ACMG Guidelines, 2015. Collection method: clinical testing. Allele origin: germline. Affected: yes. Observed: 2 variant alleles.

Fulgent Genetics
Classification: Pathogenic for Xeroderma pigmentosum, group C. Last evaluated: 2021-10-16. Review status: criteria provided, single submitter. Criteria: ACMG Guidelines, 2015. Collection method: clinical testing. Allele origin: unknown.

Illumina Laboratory Services, Illumina
Classification: Pathogenic for Xeroderma pigmentosum, group C. Last evaluated: 2020-05-22. Review status: criteria provided, single submitter. Criteria: ICSLVariantClassificationCriteria RUGD 01 April 2020. Collection method: clinical testing. Allele origin: unknown.
Comment: The XPC c.1643_1644delTG p.(Val548AlafsTer25) variant causes a shift in the protein reading frame that is predicted to result in premature termination of the protein. Loss of normal protein function through either protein truncation or nonsense-mediated mRNA decay is expected. This variant is reported in the literature to be a founder variant in the North African population and has been reported in a homozygous state in at least 84 individuals with a phenotype consistent with xeroderma pigmentosum (Soufir et al. 2010; Sehnaji et al. 2013; Bensenouci et al. 2016). The highest frequency of this allele in the Genome Aggregation database is 0.000116 in the Admixed American population (version 2.1.1). Based on the available evidence the c.1643_1644delTG p.(Val548AlafsTer25) variant is classified as pathogenic for xeroderma pigmentosum.

Laboratorio de Genetica e Diagnostico Molecular, Hospital Israelita Albert Einstein
Classification: Pathogenic. Last evaluated: 2020-02-25. Review status: criteria provided, single submitter. Criteria: ACMG Guidelines, 2015. Collection method: clinical testing. Allele origin: germline. Affected: yes.
Comment: ACMG classification criteria: PVS1, PS4, PM2

Women's Health and Genetics/Laboratory Corporation of America, LabCorp
Classification: Pathogenic for Xeroderma pigmentosum. Last evaluated: 2017-10-19. Review status: criteria provided, single submitter. Criteria: LabCorp Variant Classification Summary - May 2015. Collection method: clinical testing. Allele origin: germline.
Comment: Variant summary: The XPC c.1643_1644delTG (p.Val548AlafsX25) variant results in a premature termination codon, predicted to cause a truncated or absent XPC protein due to nonsense mediated decay, which are commonly known mechanisms for disease. One in silico tool predicts a damaging outcome for this variant. Functional studies showed absence of XPC protein expression in lymphoblasts from XP patients and reduced post-UV unscheduled DNA synthesis (Khan_2006). This variant was found in 5/246258 control chromosomes at a frequency of 0.0000203, which does not exceed the estimated maximal expected allele frequency of a pathogenic XPC variant (0.0014142). This variant is considered a founder mutation and is reported in 87% of XP-C cases from North Africa (Bensenouci_2016, El-Harith_2012, Khan_2006). In addition, multiple clinical diagnostic laboratories/reputable databases classified this variant as pathogenic. Taken together, this variant is classified as pathogenic.

Medical Molecular Genetics Department, National Research Center
Classification: Pathogenic for Xeroderma pigmentosum, group C. Last evaluated: 2015-12-01. Review status: criteria provided, single submitter. Criteria: ACMG Guidelines, 2015. Collection method: research. Allele origin: germline. Inheritance: Autosomal recessive inheritance. Affected: yes. Observed: 16 variant alleles, 16 homozygotes.

Claritas Genomics
Classification: Pathogenic for Xeroderma pigmentosum, group C. Last evaluated: 2015-03-18. Review status: criteria provided, single submitter. Criteria: ACMG Guidelines, 2007. Collection method: clinical testing. Allele origin: germline. Inheritance: Autosomal recessive inheritance.

PreventionGenetics, part of Exact Sciences
Classification: Pathogenic for XPC-related condition. Last evaluated: 2023-12-21. Review status: no assertion criteria provided. Collection method: clinical testing. Allele origin: germline. Not counted in ClinVar's aggregate classification.
Comment: The XPC c.1643_1644delTG variant is predicted to result in a frameshift and premature protein termination (p.Val548Alafs*25). This variant has been frequently reported in the homozygous or compound heterozygous state in individuals with xeroderma pigmentosum group C and it is considered a founder variant in North African populations (see for example, Mahindra et al. 2008. PubMed ID: 19119101; Ben Rakaya et al. 2009. PubMed ID: 19478817; Soufir et al. 2010. PubMed ID: 20054342; Santiago et al. 2020. PubMed ID: 32239545; Rabie et al. 2021. PubMed ID: 33672602). In vitro functional studies also support its pathogenicity (Schäfer et al. 2013. PubMed ID: 23173980). This variant is reported in 0.012% of alleles in individuals of Latino descent in gnomAD. Frameshift variants in XPC are expected to be pathogenic. This variant is interpreted as pathogenic.

OMIM
Classification: Pathogenic for XERODERMA PIGMENTOSUM, COMPLEMENTATION GROUP C. Last evaluated: 2009-07-01. Review status: no assertion criteria provided. Collection method: literature only. Allele origin: germline. Not counted in ClinVar's aggregate classification.

Clinical Genetics DNA and cytogenetics Diagnostics Lab, Erasmus MC, Erasmus Medical Center
Classification: Pathogenic. Review status: no assertion criteria provided. Collection method: clinical testing. Allele origin: germline. Affected: yes. Study: VKGL Data-share Consensus. Not counted in ClinVar's aggregate classification.

Diagnostic Laboratory, Department of Genetics, University Medical Center Groningen
Classification: Pathogenic. Review status: no assertion criteria provided. Collection method: clinical testing. Allele origin: germline. Affected: yes. Study: VKGL Data-share Consensus. Not counted in ClinVar's aggregate classification.

GeneReviews
No classification provided. Condition: Xeroderma pigmentosum, group C. Review status: no classification provided. Collection method: literature only. Allele origin: germline. Affected: yes. Not counted in ClinVar's aggregate classification.

Genome Diagnostics Laboratory, Amsterdam University Medical Center
Classification: Pathogenic. Review status: no assertion criteria provided. Collection method: clinical testing. Allele origin: germline. Affected: yes. Study: VKGL Data-share Consensus. Not counted in ClinVar's aggregate classification.

Literature cited by the submitters: PubMed 23173980 (cited by Labcorp Genetics (formerly Invitae), Labcorp and Institute for Genomic Medicine (IGM) Clinical Laboratory, Nationwide Children's Hospital); PubMed 25256075 (cited by Labcorp Genetics (formerly Invitae), Labcorp); PubMed 20054342 (cited by 3 submitters); PubMed 23143338 (cited by Labcorp Genetics (formerly Invitae), Labcorp); PubMed 27413738 (cited by Labcorp Genetics (formerly Invitae), Labcorp and Women's Health and Genetics/Laboratory Corporation of America, LabCorp); PubMed 16081512 (cited by Institute for Genomic Medicine (IGM) Clinical Laboratory, Nationwide Children's Hospital and Women's Health and Genetics/Laboratory Corporation of America, LabCorp); PubMed 8298653 (cited by 3 submitters); PubMed 19478817 (cited by 3 submitters); PubMed 19119101 (cited by GeneReviews); PubMed 20463673 (cited by GeneReviews); NCBI Bookshelf NBK1397 (cited by GeneReviews).

NM_004628.5(XPC):c.1643_1644del (p.Val548fs)

Gene: XPC (XPC complex subunit, DNA damage recognition and repair factor; minus strand). Cytogenetic location: 3p25.1.
Variant type: Microsatellite.
Coding change: c.1643_1644del on transcript NM_004628.5 (MANE Select); coding-DNA positions 1643 to 1644, 2 bases deleted (TG; older notation c.1643_1644delTG).
Protein change: p.Val548fs; shifts the reading frame from valine 548.
Molecular consequence: frameshift variant. On other transcripts: non-coding transcript variant (2), intron variant (1).
Genome position (GRCh38, 1-based): chr3:14,158,239-14,158,240, CA deleted on the plus strand (TG on the coding strand, the reverse complement: XPC is on the minus strand); deleting any 2 consecutive bases within chr3:14,158,239-14,158,244 gives the same sequence; the c. name uses the placement nearest the transcript's 3' end. VCF-style (leftmost placement, unchanged base first): chr3-14158238-GCA-G. GRCh37 (hg19) VCF-style: chr3-14199738-GCA-G.
Other names: c.1643_1644delTG (NM_004628.4); c.1064_1065del, p.Val355fs (NM_001354726.2); c.1643_1644del, p.Val548fs (NM_001354727.2); c.1625_1626del, p.Val542fs (NM_001354729.2); c.1626+13TG[2] (NM_001354730.2); short protein forms V548fs, V355fs, V542fs.
Identifiers: ClinVar variation 262 (VCV000000262.70), dbSNP rs754532049, ClinGen allele CA251399.
Genomic context (GRCh38, chr3:14,158,238, plus strand): 5'-CATAGGTCATGGGCTTGGTGGCGTACTTGTAACAGGTCAGAGGCTGGCCCACCACACCGT[GCA>G]CACAGTCTACACATACCCACTTTTCCTCCTGCTCACAGAACACCTCTAGCCACTGGTCTA-3'